The following is an entry in ClinVar:

NM_001365276.2(TNXB):c.7876_7877delinsTT (p.Pro2626Phe)

Gene: TNXB (tenascin XB; minus strand). Cytogenetic location: 6p21.33.
Variant type: Indel.
Coding change: c.7876_7877delinsTT on transcript NM_001365276.2 (MANE Select); coding-DNA positions 7876 to 7877, CC replaced by TT.
Protein change: p.Pro2626Phe; replaces proline 2626 with phenylalanine.
Molecular consequence: missense variant.
Genome position (GRCh38, 1-based): chr6:32,056,852-32,056,853, GG replaced by AA on the plus strand (CC replaced by TT on the coding strand, the reverse complement: TNXB is on the minus strand). VCF-style: chr6-32056852-GG-AA. GRCh37 (hg19) VCF-style: chr6-32024629-GG-AA.
Other names: c.7876_7877delinsTT, p.Pro2626Phe (NM_019105.8); c.7876_7877delCCinsTT (NM_019105.6); short protein forms P2626F.
Identifiers: ClinVar variation 1701498 (VCV001701498.33), dbSNP rs2151902012, ClinGen allele CA2580074292.

ClinVar aggregate classification (germline): Uncertain significance. Review status: criteria provided, multiple submitters, no conflicts (2 of 4 stars). 2 submissions from 2 submitters: Uncertain significance (2). Last evaluated 2022-11-28.

Conditions:
Cardiovascular phenotype. Identifiers: MedGen CN230736.

Submissions (2):

Ambry Genetics
Classification: Uncertain significance for Cardiovascular phenotype. Last evaluated: 2022-11-28. Review status: criteria provided, single submitter. Criteria: Ambry Variant Classification Scheme 2023. Collection method: clinical testing. Allele origin: germline.
Comment: The c.7876_7877delCCinsTT variant, located in coding exon 22 of the TNXB gene, results from an in-frame deletion of CC and insertion of TT at nucleotide positions 7876 to 7877. This results in the substitution of the proline residue for a phenylalanine residue at codon 2626, an amino acid with dissimilar properties. This amino acid position is well conserved in available vertebrate species. In addition, the in silico prediction for this alteration is inconclusive (Choi Y et al. PLoS ONE. 2012; 7(10):e46688). Since supporting evidence is limited at this time, the clinical significance of this alteration remains unclear.

CeGaT Center for Human Genetics Tuebingen
Classification: Uncertain significance. Last evaluated: 2020-03-01. Review status: criteria provided, single submitter. Criteria: CeGaT Center For Human Genetics Tuebingen Variant Classification Criteria Version 2. Collection method: clinical testing. Allele origin: germline. Affected: yes. Observed: 2 variant alleles.